The following is an entry in ClinVar:

NM_005612.5(REST):c.2735A>C (p.Asn912Thr)

Gene: REST (RE1 silencing transcription factor; plus strand). Cytogenetic location: 4q12.
Variant type: single nucleotide variant.
Coding change: c.2735A>C on transcript NM_005612.5 (MANE Select); coding-DNA position 2735, A replaced by C.
Protein change: p.Asn912Thr; replaces asparagine 912 with threonine.
Molecular consequence: missense variant.
Genome position (GRCh38, 1-based): chr4:56,931,593, A>C. VCF-style: chr4-56931593-A-C. GRCh37 (hg19) VCF-style: chr4-57797759-A-C.
Other names: c.2735A>C, p.Asn912Thr (NM_001193508.2, NM_001363453.3); short protein forms N912T.
Identifiers: ClinVar variation 1022340 (VCV001022340.9), dbSNP rs775073659, ClinGen allele CA2932542.
Genomic context (GRCh38, chr4:56,931,593, plus strand): 5'-CCCCTCTTCAGAAAGTAGGAGCAGAAGAGGCAGATGAGAGCCTACCTGGTCTTGCTGCTA[A>C]TATCAACGAATCTACCCATATTTCATCCTCTGGACAAAACTTGAATACGCCAGAGGGTGA-3'
Protein context (NP_005603.3, residues 902-922): ADESLPGLAA[Asn912Thr]INESTHISSS

ClinVar aggregate classification (germline): Uncertain significance. Review status: criteria provided, multiple submitters, no conflicts (2 of 4 stars). 2 submissions from 2 submitters: Uncertain significance (2). Last evaluated 2022-11-21.

Conditions:
Inborn genetic diseases. Identifiers: MedGen C0950123, MeSH D030342.

Allele frequency attached by ClinVar (database versions not stated): gnomAD 0.00001; TOPMed 0.00001.
gnomAD v4.1: 15 of 1,614,252 alleles (0.00093%); highest among the groups gnomAD compares: Non-Finnish European, 0.0012%; no homozygotes.

Submissions (2):

Ambry Genetics
Classification: Uncertain significance for Inborn genetic diseases. Last evaluated: 2022-11-21. Review status: criteria provided, single submitter. Criteria: Ambry Variant Classification Scheme 2023. Collection method: clinical testing. Allele origin: germline.

Labcorp Genetics (formerly Invitae), Labcorp
Classification: Uncertain significance. Last evaluated: 2020-06-17. Review status: criteria provided, single submitter. Criteria: Invitae Variant Classification Sherloc (09022015). Collection method: clinical testing. Allele origin: germline.
Comment: This sequence change replaces asparagine with threonine at codon 912 of the REST protein (p.Asn912Thr). The asparagine residue is weakly conserved and there is a small physicochemical difference between asparagine and threonine. This variant is present in population databases (rs775073659, ExAC 0.009%). This variant has not been reported in the literature in individuals with REST-related conditions. Algorithms developed to predict the effect of missense changes on protein structure and function (SIFT, PolyPhen-2, Align-GVGD) all suggest that this variant is likely to be tolerated, but these predictions have not been confirmed by published functional studies and their clinical significance is uncertain. In summary, the available evidence is currently insufficient to determine the role of this variant in disease. Therefore, it has been classified as a Variant of Uncertain Significance.